The following is an entry in ClinVar:

ClinVar aggregate classification (germline): Benign. Review status: criteria provided, multiple submitters, no conflicts (2 of 4 stars). 2 submissions from 2 submitters: Benign (2). Last evaluated 2025-07-31.

Allele frequency attached by ClinVar (database versions not stated): 1000 Genomes Project 0.29772; ESP Exome Variant Server 0.34922; ExAC 0.35129; gnomAD 0.34020 and 0.33934; gnomAD exomes 0.34930 and 0.37804; 1000 Genomes Project 30x 0.29700; TOPMed 0.32410.
gnomAD v4.1: 603,685 of 1,613,636 alleles (37%); highest among the groups gnomAD compares: South Asian, 41%; 115,745 homozygotes.

Submissions (2):

ARUP Laboratories, Molecular Genetics and Genomics, ARUP Laboratories
Classification: Benign. Last evaluated: 2025-07-31. Review status: criteria provided, single submitter. Criteria: ARUP Molecular Germline Variant Investigation Process 2024. Collection method: clinical testing. Allele origin: germline.

GeneDx
Classification: Benign. Last evaluated: 2018-07-09. Review status: criteria provided, single submitter. Criteria: GeneDx Variant Classification Process June 2021. Collection method: clinical testing. Allele origin: germline. Affected: yes.
Comment: This variant is associated with the following publications: (PMID: 19318555, 11677206, 12122597, 11037804)

NM_019076.5(UGT1A8):c.855+63997T>C

Genes: UGT1A (UDP glucuronosyltransferase family 1 member A complex locus; plus strand), UGT1A10 (UDP glucuronosyltransferase family 1 member A10; plus strand), UGT1A9 (UDP glucuronosyltransferase family 1 member A9; plus strand), UGT1A7 (UDP glucuronosyltransferase family 1 member A7; plus strand), UGT1A8 (UDP glucuronosyltransferase family 1 member A8; plus strand). Cytogenetic location: 2q37.1.
Variant type: single nucleotide variant.
Coding change: c.855+63997T>C on transcript NM_019076.5 (MANE Select); 63997 bases into the intron after coding-DNA position 855, T replaced by C.
Molecular consequence: intron variant. On other transcripts: missense variant (1).
Genome position (GRCh38, 1-based): chr2:233,682,559, T>C. VCF-style: chr2-233682559-T-C. GRCh37 (hg19) VCF-style: chr2-234591205-T-C.
Other names: c.622T>C, p.Trp208Arg (NM_019077.3); c.855+45182T>C (NM_019075.4); c.855+9770T>C (NM_021027.3); short protein forms W208R.
Identifiers: ClinVar variation 440389 (VCV000440389.19), dbSNP rs11692021, ClinGen allele CA2178317.
Genomic context (GRCh38, chr2:233,682,559, plus strand): 5'-TCCTATGTCCCCAGACTTCTCTTAGGGTTCTCAGACGCCATGACTTTCAAGGAGAGAGTA[T>C]GGAACCACATCATGCACTTGGAGGAACATTTATTTTGCCCCTATTTTTTCAAAAATGTCT-3'